The following is an entry in ClinVar:

ClinVar aggregate classification (germline): Uncertain significance (1 of 4 stars; one submission).

Allele frequency attached by ClinVar (database versions not stated): ExAC 0.00001; gnomAD 0.00001.
gnomAD v4.1: 22 of 1,612,548 alleles (0.0014%); highest among the groups gnomAD compares: Non-Finnish European, 0.0016%; no homozygotes.

Submission:

Labcorp Genetics (formerly Invitae), Labcorp
Classification: Uncertain significance. Last evaluated: 2025-11-19. Review status: criteria provided, single submitter. Criteria: Invitae Variant Classification Sherloc (09022015). Collection method: clinical testing. Allele origin: germline.
Comment: This sequence change replaces proline, which is neutral and non-polar, with leucine, which is neutral and non-polar, at codon 275 of the ROR2 protein (p.Pro275Leu). This variant is present in population databases (rs752527875, gnomAD 0.006%). This variant has not been reported in the literature in individuals affected with ROR2-related conditions. ClinVar contains an entry for this variant (Variation ID: 1918908). Invitae Evidence Modeling of protein sequence and biophysical properties (such as structural, functional, and spatial information, amino acid conservation, physicochemical variation, residue mobility, and thermodynamic stability) indicates that this missense variant is not expected to disrupt ROR2 protein function with a negative predictive value of 80%. In summary, the available evidence is currently insufficient to determine the role of this variant in disease. Therefore, it has been classified as a Variant of Uncertain Significance.

NM_004560.4(ROR2):c.824C>T (p.Pro275Leu)

Gene: ROR2 (receptor tyrosine kinase like orphan receptor 2; minus strand). Cytogenetic location: 9q22.31.
Variant type: single nucleotide variant.
Coding change: c.824C>T on transcript NM_004560.4 (MANE Select); coding-DNA position 824, C replaced by T.
Protein change: p.Pro275Leu; replaces proline 275 with leucine.
Molecular consequence: missense variant.
Genome position (GRCh38, 1-based): chr9:91,733,235, G>A on the plus strand (C>T on the coding strand, the complement: ROR2 is on the minus strand). VCF-style: chr9-91733235-G-A. GRCh37 (hg19) VCF-style: chr9-94495517-G-A.
Other names: c.824C>T, p.Pro275Leu (NM_001318204.2); short protein forms P275L.
Identifiers: ClinVar variation 1918908 (VCV001918908.5), dbSNP rs752527875, ClinGen allele CA5120881.